The following is an entry in ClinVar:

ClinVar aggregate classification (germline): Uncertain significance (1 of 4 stars; one submission).

Allele frequency attached by ClinVar (database versions not stated): TOPMed below 0.00001; ExAC 0.00001; gnomAD 0.00001; gnomAD exomes 0.00001 and 0.00002.
gnomAD v4.1: 31 of 1,613,848 alleles (0.0019%); highest among the groups gnomAD compares: Non-Finnish European, 0.0023%; no homozygotes.

Submission:

Labcorp Genetics (formerly Invitae), Labcorp
Classification: Uncertain significance. Last evaluated: 2022-07-12. Review status: criteria provided, single submitter. Criteria: Invitae Variant Classification Sherloc (09022015). Collection method: clinical testing. Allele origin: germline.
Comment: This sequence change replaces isoleucine with asparagine at codon 2515 of the MYO18B protein (p.Ile2515Asn). The isoleucine residue is moderately conserved and there is a large physicochemical difference between isoleucine and asparagine. This variant is present in population databases (rs763657203, gnomAD 0.002%). This variant has not been reported in the literature in individuals affected with MYO18B-related conditions. ClinVar contains an entry for this variant (Variation ID: 1400419). Algorithms developed to predict the effect of missense changes on protein structure and function are either unavailable or do not agree on the potential impact of this missense change (SIFT: "Not Available"; PolyPhen-2: "Possibly Damaging"; Align-GVGD: "Not Available"). In summary, the available evidence is currently insufficient to determine the role of this variant in disease. Therefore, it has been classified as a Variant of Uncertain Significance.

NM_032608.7(MYO18B):c.7544T>A (p.Ile2515Asn)

Gene: MYO18B (myosin XVIIIB; plus strand). Cytogenetic location: 22q12.1.
Variant type: single nucleotide variant.
Coding change: c.7544T>A on transcript NM_032608.7 (MANE Select); coding-DNA position 7544, T replaced by A.
Protein change: p.Ile2515Asn; replaces isoleucine 2515 with asparagine.
Molecular consequence: missense variant.
Genome position (GRCh38, 1-based): chr22:26,027,518, T>A. VCF-style: chr22-26027518-T-A. GRCh37 (hg19) VCF-style: chr22-26423484-T-A.
Other names: c.7547T>A, p.Ile2516Asn (NM_001318245.2); short protein forms I2516N, I2515N.
Identifiers: ClinVar variation 1400419 (VCV001400419.3), dbSNP rs763657203, ClinGen allele CA10161803.